The following is an entry in ClinVar:

NM_007254.4(PNKP):c.1453_1455dup (p.Gln485_Phe486insGln)

Gene: PNKP (polynucleotide kinase 3'-phosphatase; minus strand). Cytogenetic location: 19q13.33.
Variant type: Duplication.
Coding change: c.1453_1455dup on transcript NM_007254.4 (MANE Select); coding-DNA positions 1453 to 1455, 3 bases duplicated (CAG; older notation c.1453_1455dupCAG).
Protein change: p.Gln485_Phe486insGln.
Molecular consequence: inframe insertion.
Genome position (GRCh38, 1-based): chr19:49,861,359-49,861,361, CTG duplicated on the plus strand (CAG on the coding strand, the reverse complement: PNKP is on the minus strand); duplicating any 3 consecutive bases within chr19:49,861,359-49,861,363 gives the same sequence; the c. name uses the placement nearest the transcript's 3' end. VCF-style (leftmost placement, unchanged base first): chr19-49861358-A-ACTG. GRCh37 (hg19) VCF-style: chr19-50364615-A-ACTG.
Identifiers: ClinVar variation 5008992 (VCV005008992.1).
Genomic context (GRCh38, chr19:49,861,358, plus strand): 5'-ATAGCCGGAACGGGATCTCCAGGATGGCAGAGAAGCCTTCAGCCAGCGTTGGGGCCTCGA[A>ACTG]CTGCTTCCTGGCAGTGGTGGGAACAGTGAGGGACAGCCTGGATCATGTGGCCCAGCCAGT-3'

ClinVar aggregate classification (germline): Uncertain significance (1 of 4 stars; one submission).

Submission:

GeneDx
Classification: Uncertain significance. Last evaluated: 2026-03-17. Review status: criteria provided, single submitter. Criteria: GeneDx Variant Classification Process June 2021. Collection method: clinical testing. Allele origin: germline.
Comment: Not observed at significant frequency in large population cohorts (gnomAD); In-frame duplication of 1 amino acid(s) in a non-repeat region; Has not been previously published as pathogenic or benign to our knowledge; This variant is associated with the following publications: (PMID: 22508754)